The following is an entry in ClinVar:

NM_001286577.2(C2CD3):c.3196C>T (p.Leu1066Phe)

Gene: C2CD3 (C2 domain containing 3 centriole elongation regulator; minus strand). Cytogenetic location: 11q13.4.
Variant type: single nucleotide variant.
Coding change: c.3196C>T on transcript NM_001286577.2 (MANE Select); coding-DNA position 3196, C replaced by T.
Protein change: p.Leu1066Phe; replaces leucine 1066 with phenylalanine.
Molecular consequence: missense variant.
Genome position (GRCh38, 1-based): chr11:74,093,964, G>A on the plus strand (C>T on the coding strand, the complement: C2CD3 is on the minus strand). VCF-style: chr11-74093964-G-A. GRCh37 (hg19) VCF-style: chr11-73805009-G-A.
Other names: c.3196C>T, p.Leu1066Phe (NM_015531.6); c.3196C>T (NM_015531.4); short protein forms L1066F.
Identifiers: ClinVar variation 1346089 (VCV001346089.10), dbSNP rs187512156, ClinGen allele CA6182460.

ClinVar aggregate classification (germline): Conflicting classifications of pathogenicity. Review status: criteria provided, conflicting classifications (1 of 4 stars). 3 submissions from 3 submitters: Uncertain significance (2); Likely benign (1). Last evaluated 2026-01-09.

Conditions:
Inborn genetic diseases. Identifiers: MedGen C0950123, MeSH D030342.

Allele frequency attached by ClinVar (database versions not stated): gnomAD 0.00001 and 0.00002; gnomAD exomes 0.00002 and 0.00014; ExAC 0.00010; TOPMed 0.00010; 1000 Genomes Project 0.00020; 1000 Genomes Project 30x 0.00031.

Submissions (3):

Labcorp Genetics (formerly Invitae), Labcorp
Classification: Likely benign. Last evaluated: 2026-01-09. Review status: criteria provided, single submitter. Criteria: Invitae Variant Classification Sherloc (09022015). Collection method: clinical testing. Allele origin: germline.

GeneDx
Classification: Uncertain significance. Last evaluated: 2022-05-25. Review status: criteria provided, single submitter. Criteria: GeneDx Variant Classification Process June 2021. Collection method: clinical testing. Allele origin: germline. Affected: yes.
Comment: In silico analysis supports that this missense variant has a deleterious effect on protein structure/function; Has not been previously published as pathogenic or benign to our knowledge

Ambry Genetics
Classification: Uncertain significance for Inborn genetic diseases. Last evaluated: 2022-01-18. Review status: criteria provided, single submitter. Criteria: Ambry Variant Classification Scheme 2023. Collection method: clinical testing. Allele origin: germline.
Comment: The c.3196C>T (p.L1066F) alteration is located in exon 18 (coding exon 18) of the C2CD3 gene. This alteration results from a C to T substitution at nucleotide position 3196, causing the leucine (L) at amino acid position 1066 to be replaced by a phenylalanine (F). The in silico prediction for this alteration is inconclusive. Based on insufficient or conflicting evidence, the clinical significance of this alteration remains unclear.